The following is an entry in ClinVar:

ClinVar aggregate classification (germline): Uncertain significance (1 of 4 stars; one submission).

Conditions:
FREM2-related disorder. Also called: FREM2-related condition.

gnomAD v4.1: 34 of 1,614,038 alleles (0.0021%); highest among the groups gnomAD compares: Middle Eastern, 0.016%; no homozygotes.

Submission:

PreventionGenetics, part of Exact Sciences
Classification: Uncertain significance for FREM2-related condition. Last evaluated: 2026-03-23. Review status: criteria provided, single submitter. Criteria: ACMG Guidelines, 2015. Collection method: clinical testing. Allele origin: germline.
Comment: The FREM2 c.7295G>A variant is predicted to result in the amino acid substitution p.Arg2432Gln. To our knowledge, this variant has not been reported in the literature. This variant is reported in 0.0065% of alleles in individuals of South Asian descent in gnomAD. At this time, the clinical significance of this variant is uncertain due to the absence of conclusive functional and genetic evidence.

NM_207361.6(FREM2):c.7295G>A (p.Arg2432Gln)

Gene: FREM2 (FRAS1 related extracellular matrix 2; plus strand). Cytogenetic location: 13q13.3.
Variant type: single nucleotide variant.
Coding change: c.7295G>A on transcript NM_207361.6 (MANE Select); coding-DNA position 7295, G replaced by A.
Protein change: p.Arg2432Gln; replaces arginine 2432 with glutamine.
Molecular consequence: missense variant.
Genome position (GRCh38, 1-based): chr13:38,859,366, G>A. VCF-style: chr13-38859366-G-A. GRCh37 (hg19) VCF-style: chr13-39433503-G-A.
Other names: short protein forms R2432Q.
Identifiers: ClinVar variation 4990682 (VCV004990682.1).